The following is an entry in ClinVar:

NM_000521.4(HEXB):c.1243-9C>A

Gene: HEXB (hexosaminidase subunit beta; plus strand). Cytogenetic location: 5q13.3.
Variant type: single nucleotide variant.
Coding change: c.1243-9C>A on transcript NM_000521.4 (MANE Select); 9 bases into the intron before coding-DNA position 1243, C replaced by A.
Molecular consequence: intron variant.
Genome position (GRCh38, 1-based): chr5:74,718,788, C>A. VCF-style: chr5-74718788-C-A. GRCh37 (hg19) VCF-style: chr5-74014613-C-A.
Other names: c.568-9C>A (NM_001292004.2).
Identifiers: ClinVar variation 2125087 (VCV002125087.4), dbSNP rs771008510, ClinGen allele CA2580073426.

ClinVar aggregate classification (germline): Uncertain significance (1 of 4 stars; one submission).

Conditions:
Sandhoff disease. Also called: Beta-hexosaminidase-beta-subunit deficiency; GM2 gangliosidosis, type 2; Total hexosaminidase deficiency; Sandhoff-Jatzkewitz-Pilz disease; GM2-GANGLIOSIDOSIS, TYPE II; HEXOSAMINIDASES A AND B DEFICIENCY. Identifiers: Orphanet 796, MedGen C0036161, MONDO:0010006, OMIM 268800.

Submission:

Labcorp Genetics (formerly Invitae), Labcorp
Classification: Uncertain significance for Sandhoff disease. Last evaluated: 2022-04-12. Review status: criteria provided, single submitter. Criteria: Invitae Variant Classification Sherloc (09022015). Collection method: clinical testing. Allele origin: germline.
Comment: This variant is not present in population databases (gnomAD no frequency). In summary, the available evidence is currently insufficient to determine the role of this variant in disease. Therefore, it has been classified as a Variant of Uncertain Significance. Algorithms developed to predict the effect of sequence changes on RNA splicing suggest that this variant may disrupt the consensus splice site. This variant has not been reported in the literature in individuals affected with HEXB-related conditions. This sequence change falls in intron 10 of the HEXB gene. It does not directly change the encoded amino acid sequence of the HEXB protein.